The following is an entry in ClinVar:

NM_000271.5(NPC1):c.2942dup (p.Leu982fs)

Gene: NPC1 (NPC intracellular cholesterol transporter 1; minus strand). Cytogenetic location: 18q11.2.
Variant type: Duplication.
Coding change: c.2942dup on transcript NM_000271.5 (MANE Select); coding-DNA position 2942, one base duplicated (C; older notation c.2942dupC).
Protein change: p.Leu982fs; shifts the reading frame from leucine 982.
Molecular consequence: frameshift variant.
Genome position (GRCh38, 1-based): chr18:23,538,641, G duplicated on the plus strand (C on the coding strand, the reverse complement: NPC1 is on the minus strand); the first of 2 consecutive G bases (chr18:23,538,641-23,538,642); duplicating either gives the same sequence. VCF-style (leftmost placement, unchanged base first): chr18-23538640-A-AG. GRCh37 (hg19) VCF-style: chr18-21118604-A-AG.
Other names: short protein forms L982fs.
Identifiers: ClinVar variation 5011878 (VCV005011878.1).

ClinVar aggregate classification (germline): Pathogenic (1 of 4 stars; one submission).

Conditions:
Niemann-Pick disease, type C1. Also called: NEUROVISCERAL STORAGE DISEASE WITH VERTICAL SUPRANUCLEAR OPHTHALMOPLEGIA; NIEMANN-PICK DISEASE WITH CHOLESTEROL ESTERIFICATION BLOCK; NIEMANN-PICK DISEASE WITHOUT SPHINGOMYELINASE DEFICIENCY; NIEMANN-PICK DISEASE, CHRONIC NEURONOPATHIC FORM; NIEMANN-PICK DISEASE, VARIANT TYPE C1. Identifiers: Orphanet 646, MedGen C3179455, MONDO:0009757, OMIM 257220.

Submission:

Myriad Genetics, Inc.
Classification: Pathogenic for Niemann-Pick disease, type C1. Last evaluated: 2023-09-27. Review status: criteria provided, single submitter. Criteria: Myriad Autosomal Dominant, Autosomal Recessive and X-Linked Classification Criteria (2023). Collection method: clinical testing. Allele origin: unknown.
Comment: NM_000271.4(NPC1):c.2942dupC(L982Sfs*25) is expected to be pathogenic in the context of Niemann-Pick disease type C1. This variant is predicted to lead to an abnormal or absent protein product due to the creation of a premature termination codon in NPC1, a gene where loss-of-function variants are known to be pathogenic. Please note: this variant was assessed in the context of healthy population screening.